The following is an entry in ClinVar:

NM_018718.3(CEP41):c.*2481T>A

Gene: CEP41 (centrosomal protein 41; minus strand). Cytogenetic location: 7q32.2.
Variant type: single nucleotide variant.
Coding change: c.*2481T>A on transcript NM_018718.3 (MANE Select); 2481 bases downstream of the stop codon, T replaced by A.
Molecular consequence: 3 prime UTR variant. On other transcripts: non-coding transcript variant (1).
Genome position (GRCh38, 1-based): chr7:130,396,410, A>T on the plus strand (T>A on the coding strand, the complement: CEP41 is on the minus strand). VCF-style: chr7-130396410-A-T. GRCh37 (hg19) VCF-style: chr7-130036251-A-T.
Other names: c.*2481T>A (NM_001257158.2, NM_001257159.2).
Identifiers: ClinVar variation 908197 (VCV000908197.4), dbSNP rs528289176, ClinGen allele CA4485207.

ClinVar aggregate classification (germline): Likely benign (1 of 4 stars; one submission).

Conditions:
Joubert syndrome 15 (JBTS15). Identifiers: Orphanet 475, MedGen C3280897, MONDO:0013763, OMIM 614464.

Allele frequency attached by ClinVar (database versions not stated): TOPMed 0.00045; gnomAD 0.00051 and 0.00078; 1000 Genomes Project 0.00080; 1000 Genomes Project 30x 0.00156; ExAC 0.00477.
gnomAD v4.1: 622 of 454,398 alleles (0.14%); highest among the groups gnomAD compares: South Asian, 0.63%; 4 homozygotes.

Submission:

Illumina Laboratory Services, Illumina
Classification: Likely benign for Joubert syndrome 15. Last evaluated: 2018-01-13. Review status: criteria provided, single submitter. Criteria: ICSL Variant Classification Criteria 13 December 2019. Collection method: clinical testing. Allele origin: germline.
Comment: This variant was observed in the ICSL laboratory as part of a predisposition screen in an ostensibly healthy population. It had not been previously curated by ICSL or reported in the Human Gene Mutation Database (HGMD: prior to June 1st, 2018), and was therefore a candidate for classification through an automated scoring system. Utilizing variant allele frequency, disease prevalence and penetrance estimates, and inheritance mode, an automated score was calculated to assess if this variant is too frequent to cause the disease. Based on the score and internal cut-off values, a variant classified as likely benign is not then subjected to further curation. The score for this variant resulted in a classification of likely benign for this disease.